The following is an entry in ClinVar:

NM_001388492.1(HTT):c.6242C>T (p.Pro2081Leu)

Gene: HTT (huntingtin; plus strand). Cytogenetic location: 4p16.3.
Variant type: single nucleotide variant.
Coding change: c.6242C>T on transcript NM_001388492.1 (MANE Select); coding-DNA position 6242, C replaced by T.
Protein change: p.Pro2081Leu; replaces proline 2081 with leucine.
Molecular consequence: missense variant.
Genome position (GRCh38, 1-based): chr4:3,208,862, C>T. VCF-style: chr4-3208862-C-T. GRCh37 (hg19) VCF-style: chr4-3210589-C-T.
Other names: c.6248C>T, p.Pro2083Leu (NM_002111.8); short protein forms P2081L, P2083L.
Identifiers: ClinVar variation 1413084 (VCV001413084.7), dbSNP rs201104173, ClinGen allele CA2824979.
Genomic context (GRCh38, chr4:3,208,862, plus strand): 5'-GGTTTCGTCTCTCCACCATGCAAGACTCACTTAGTCCCTCTCCTCCAGTCTCTTCCCACC[C>T]GCTGGACGGGGATGGGCACGTGTCACTGGAAACAGTGAGTCCGGACAAAGTAAGTGTCCA-3'
Protein context (NP_001375421.1, residues 2071-2091): LSPSPPVSSH[Pro2081Leu]LDGDGHVSLE

ClinVar aggregate classification (germline): Conflicting classifications of pathogenicity. Review status: criteria provided, conflicting classifications (1 of 4 stars). 2 submissions from 2 submitters: Uncertain significance (1); Likely benign (1). Last evaluated 2022-06-13.

Allele frequency attached by ClinVar (database versions not stated): 1000 Genomes Project 30x 0.00016; 1000 Genomes Project 0.00020.
gnomAD v4.1: 139 of 1,614,098 alleles (0.0086%); highest among the groups gnomAD compares: Admixed American, 0.058%; no homozygotes.

Submissions (2):

Labcorp Genetics (formerly Invitae), Labcorp
Classification: Uncertain significance. Last evaluated: 2022-06-13. Review status: criteria provided, single submitter. Criteria: Invitae Variant Classification Sherloc (09022015). Collection method: clinical testing. Allele origin: germline.
Comment: In summary, the available evidence is currently insufficient to determine the role of this variant in disease. Therefore, it has been classified as a Variant of Uncertain Significance. Experimental studies and prediction algorithms are not available or were not evaluated, and the functional significance of this variant is currently unknown. This variant has not been reported in the literature in individuals affected with HTT-related conditions. This variant is present in population databases (rs201104173, gnomAD 0.08%), and has an allele count higher than expected for a pathogenic variant. This sequence change replaces proline, which is neutral and non-polar, with leucine, which is neutral and non-polar, at codon 2083 of the HTT protein (p.Pro2083Leu).

Blueprint Genetics
Classification: Likely benign. Last evaluated: 2018-08-07. Review status: criteria provided, single submitter. Criteria: ACMG Guidelines, 2015. Collection method: clinical testing. Allele origin: germline.